The following is an entry in ClinVar:

ClinVar aggregate classification (germline): Uncertain significance. Review status: criteria provided, multiple submitters, no conflicts (2 of 4 stars). 2 submissions from 2 submitters: Uncertain significance (2). Last evaluated 2026-01-13.

Submissions (2):

Labcorp Genetics (formerly Invitae), Labcorp
Classification: Uncertain significance. Last evaluated: 2026-01-13. Review status: criteria provided, single submitter. Criteria: Invitae Variant Classification Sherloc (09022015). Collection method: clinical testing. Allele origin: germline.
Comment: This sequence change replaces valine, which is neutral and non-polar, with isoleucine, which is neutral and non-polar, at codon 415 of the SLC7A13 protein (p.Val415Ile). This variant is present in population databases (rs757967473, gnomAD 0.03%). This variant has not been reported in the literature in individuals affected with SLC7A13-related conditions. ClinVar contains an entry for this variant (Variation ID: 3798276). An algorithm developed to predict the effect of missense changes on protein structure and function outputs the following: PolyPhen-2: "Benign". The isoleucine amino acid residue is found in multiple mammalian species, which suggests that this missense change does not adversely affect protein function. In summary, the available evidence is currently insufficient to determine the role of this variant in disease. Therefore, it has been classified as a Variant of Uncertain Significance.

Ambry Genetics
Classification: Uncertain significance. Last evaluated: 2025-02-20. Review status: criteria provided, single submitter. Criteria: Ambry Variant Classification Scheme 2023. Collection method: clinical testing. Allele origin: germline.

NM_138817.3(SLC7A13):c.1243G>A (p.Val415Ile)

Gene: SLC7A13 (solute carrier family 7 member 13; minus strand). Cytogenetic location: 8q21.3.
Variant type: single nucleotide variant.
Coding change: c.1243G>A on transcript NM_138817.3 (MANE Select); coding-DNA position 1243, G replaced by A.
Protein change: p.Val415Ile; replaces valine 415 with isoleucine.
Molecular consequence: missense variant.
Genome position (GRCh38, 1-based): chr8:86,214,583, C>T on the plus strand (G>A on the coding strand, the complement: SLC7A13 is on the minus strand). VCF-style: chr8-86214583-C-T. GRCh37 (hg19) VCF-style: chr8-87226812-C-T.
Other names: short protein forms V415I.
Identifiers: ClinVar variation 3798276 (VCV003798276.2).